The following is an entry in ClinVar:

NM_000023.4(SGCA):c.409G>A (p.Glu137Lys)

Gene: SGCA (sarcoglycan alpha; plus strand). Cytogenetic location: 17q21.33.
Variant type: single nucleotide variant.
Coding change: c.409G>A on transcript NM_000023.4 (MANE Select); coding-DNA position 409, G replaced by A.
Protein change: p.Glu137Lys; replaces glutamic acid 137 with lysine.
Molecular consequence: missense variant. On other transcripts: non-coding transcript variant (1).
Genome position (GRCh38, 1-based): chr17:50,168,397, G>A. VCF-style: chr17-50168397-G-A. GRCh37 (hg19) VCF-style: chr17-48245758-G-A.
Other names: c.409G>A, p.Glu137Lys (NM_001135697.3); c.409G>A (NM_000023.3); short protein forms E137K.
Identifiers: ClinVar variation 286049 (VCV000286049.33), dbSNP rs372210292, ClinGen allele CA501039.

ClinVar aggregate classification (germline): Pathogenic/Likely pathogenic. Review status: criteria provided, multiple submitters, no conflicts (2 of 4 stars). 11 submissions from 11 submitters: Pathogenic (8); Likely pathogenic (2). 1 of the submissions does not count toward it. Last evaluated 2026-09-24.

Conditions:
SGCA-related disorder. Also called: SGCA-related condition.
Autosomal recessive limb-girdle muscular dystrophy type 2D (LGMDR3). Also called: MUSCULAR DYSTROPHY, LIMB-GIRDLE, AUTOSOMAL RECESSIVE 3; DUCHENNE-LIKE AUTOSOMAL RECESSIVE MUSCULAR DYSTROPHY, TYPE 2; ADHALINOPATHY, PRIMARY. Identifiers: Orphanet 62, MedGen C2936332, MONDO:0011968, OMIM 608099. Disease mechanism: Affects gamma-sarcoglycan and also disrupts the integrity of the entire sarcoglycan complex..

Allele frequency attached by ClinVar (database versions not stated): gnomAD 0.00001; gnomAD exomes 0.00004; ExAC 0.00007; ESP Exome Variant Server 0.00008; TOPMed 0.00004.

Submissions (11):

GeneDx
Classification: Pathogenic. Last evaluated: 2026-09-24. Review status: criteria provided, single submitter. Criteria: GeneDx Variant Classification Process June 2021. Collection method: clinical testing. Allele origin: germline.
Comment: Not observed at significant frequency in large population cohorts (gnomAD); In silico analysis supports that this missense variant has a deleterious effect on protein structure/function; This variant is associated with the following publications: (PMID: 34426522, 31589614, 22095924, 9192266, 30703231, 21031578, 30764848, 16778590, 31069529, 25214167, 31980526, 19798725, 26916285, 18285821, 24077912, 30107846, 34628793, 36575883, 39678382, 41147141, 12075495)

Labcorp Genetics (formerly Invitae), Labcorp
Classification: Pathogenic for Autosomal recessive limb-girdle muscular dystrophy type 2D. Last evaluated: 2026-01-24. Review status: criteria provided, single submitter. Criteria: Invitae Variant Classification Sherloc (09022015). Collection method: clinical testing. Allele origin: germline.
Comment: This sequence change replaces glutamic acid, which is acidic and polar, with lysine, which is basic and polar, at codon 137 of the SGCA protein (p.Glu137Lys). The frequency data for this variant in the population databases is considered unreliable, as metrics indicate poor data quality at this position in the gnomAD database. This missense change has been observed in individuals with limb-girdle muscular dystrophy (LGMD) (PMID: 9192266, 12075495, 19798725, 25214167, 26916285). ClinVar contains an entry for this variant (Variation ID: 286049). Invitae Evidence Modeling of protein sequence and biophysical properties (such as structural, functional, and spatial information, amino acid conservation, physicochemical variation, residue mobility, and thermodynamic stability) indicates that this missense variant is expected to disrupt SGCA protein function with a positive predictive value of 95%. Experimental studies have shown that this missense change affects SGCA function (PMID: 22095924). This variant disrupts the p.Glu137 amino acid residue in SGCA. Other variant(s) that disrupt this residue have been observed in individuals with SGCA-related conditions (PMID: 28403181), which suggests that this may be a clinically significant amino acid residue. For these reasons, this variant has been classified as Pathogenic.

Natera, Inc.
Classification: Pathogenic for Limb-girdle muscular dystrophy type 2D. Last evaluated: 2026-01-06. Review status: criteria provided, single submitter. Criteria: Natera Variant Classification Schema (03/2026). Collection method: clinical testing. Allele origin: germline.
Comment: The c.409G>A variant in SGCA is a missense variant predicted to cause substitution of glutamic acid to lysine at amino acid 137. This variant is rare in the general population with a frequency below the threshold expected for the associated phenotype(s). This variant has been observed in one or more individuals affected with the associated recessive disease, as either homozygous or compound heterozygous with a second variant (PMID: 35416532, 18285821). Computational prediction algorithms indicate this variant is likely to affect gene or protein function. Given the available evidence, this variant is classified as Pathogenic.

Dasa
Classification: Pathogenic. Last evaluated: 2025-09-15. Review status: criteria provided, single submitter. Criteria: DASA Assertion Criteria. Collection method: clinical testing. Allele origin: germline.
Comment: NM_000023.4(SGCA):c.409G>A (p.Glu137Lys) is a missense variant that results in the substitution of glutamic acid with lysine. Functional evidence supports a deleterious effect on the gene or gene product (PMID: 12075495; PMID: 30107846; PMID: 30703231; PMID: 26916285; PMID: 30764848). This variant has been recurrently observed in individuals with related phenotype (PMID: 12075495; PMID: 30107846; PMID: 30703231; PMID: 26916285; PMID: 30764848). Multiple computational predictions support a deleterious effect on the gene or gene product. The variant is present at low frequency in population datasets. Based on the available data, this variant is classified as pathogenic.

Athena Diagnostics
Classification: Pathogenic. Last evaluated: 2025-08-22. Review status: criteria provided, single submitter. Criteria: Athena Diagnostics Criteria. Collection method: clinical testing. Allele origin: unknown.
Comment: The frequency of this variant in the general population is consistent with pathogenicity. This variant has been identified in multiple unrelated individuals with clinical features associated with this gene. This variant is statistically more frequent in affected individuals than in the general population and/or healthy controls. Assessment of experimental evidence suggests this variant results in abnormal protein function. (PMID: 22095924) In multiple individuals, this variant has been seen with a single recessive pathogenic variant in the same gene, suggesting this variant may also be pathogenic.

Revvity Omics, Revvity
Classification: Pathogenic for Autosomal recessive limb-girdle muscular dystrophy type 2D. Last evaluated: 2024-03-28. Review status: criteria provided, single submitter. Criteria: ACMG Guidelines, 2015. Collection method: clinical testing. Allele origin: germline.

Blueprint Genetics
Classification: Pathogenic for SGCA-related disorders. Last evaluated: 2023-10-20. Review status: criteria provided, single submitter. Criteria: ACMG Guidelines, 2015. Collection method: clinical testing. Allele origin: germline. Affected: yes. Observed: 2 variant alleles.

Genome-Nilou Lab
Classification: Likely pathogenic for Autosomal recessive limb-girdle muscular dystrophy type 2D. Last evaluated: 2023-02-08. Review status: criteria provided, single submitter. Criteria: ACMG Guidelines, 2015. Collection method: clinical testing. Allele origin: germline.

Eurofins Ntd Llc (ga)
Classification: Pathogenic. Last evaluated: 2017-07-12. Review status: criteria provided, single submitter. Criteria: EGL Classification Definitions 2015. Collection method: clinical testing. Allele origin: germline. Observed: 4 variant alleles, 4 heterozygotes.

Centre for Mendelian Genomics, University Medical Centre Ljubljana
Classification: Likely pathogenic for Autosomal recessive limb-girdle muscular dystrophy type 2D. Last evaluated: 2016-01-01. Review status: criteria provided, single submitter. Criteria: ACMG Guidelines, 2015. Collection method: clinical testing. Allele origin: unknown. Affected: yes.
Comment: This variant was classified as: Likely pathogenic. The following ACMG criteria were applied in classifying this variant: PS1,PM1,PM2,PP3. This variant was detected in homozygous state.

Counsyl
Classification: Likely pathogenic for Autosomal recessive limb-girdle muscular dystrophy type 2D. Last evaluated: 2017-01-10. Review status: no assertion criteria provided. Collection method: clinical testing. Allele origin: unknown. Not counted in ClinVar's aggregate classification.

Literature cited by the submitters: PubMed 9192266 (cited by 3 submitters); PubMed 12075495 (cited by 4 submitters); PubMed 19798725 (cited by 3 submitters); PubMed 25214167 (cited by 3 submitters); PubMed 26916285 (cited by 3 submitters); PubMed 22095924 (cited by 3 submitters); PubMed 28403181 (cited by Labcorp Genetics (formerly Invitae), Labcorp and Athena Diagnostics); PubMed 35416532 (cited by Natera, Inc.); PubMed 18285821 (cited by 4 submitters); PubMed 30107846 (cited by Dasa); PubMed 30703231 (cited by Dasa); PubMed 30764848 (cited by Dasa and Athena Diagnostics); PubMed 16778590 (cited by Athena Diagnostics and Counsyl).